The following is an entry in ClinVar:

NM_001190274.2(FBXO11):c.1066C>G (p.Gln356Glu)

Gene: FBXO11 (F-box protein 11; minus strand). Cytogenetic location: 2p16.3.
Variant type: single nucleotide variant.
Coding change: c.1066C>G on transcript NM_001190274.2 (MANE Select); coding-DNA position 1066, C replaced by G.
Protein change: p.Gln356Glu; replaces glutamine 356 with glutamic acid.
Molecular consequence: missense variant.
Genome position (GRCh38, 1-based): chr2:47,832,856, G>C on the plus strand (C>G on the coding strand, the complement: FBXO11 is on the minus strand). VCF-style: chr2-47832856-G-C. GRCh37 (hg19) VCF-style: chr2-48059995-G-C.
Other names: c.814C>G, p.Gln272Glu (NM_001374325.1, NM_025133.4); c.1066C>G (NM_001190274.1); short protein forms Q356E, Q272E.
Identifiers: ClinVar variation 3722604 (VCV003722604.3).

ClinVar aggregate classification (germline): Uncertain significance. Review status: criteria provided, multiple submitters, no conflicts (2 of 4 stars). 2 submissions from 2 submitters: Uncertain significance (2). Last evaluated 2024-11-05.

gnomAD v4.1: 1 of 1,613,978 alleles (0.000062%); highest among the groups gnomAD compares: Non-Finnish European, 0.000085%; no homozygotes.

Submissions (2):

GeneDx
Classification: Uncertain significance. Last evaluated: 2024-11-05. Review status: criteria provided, single submitter. Criteria: GeneDx Variant Classification Process June 2021. Collection method: clinical testing. Allele origin: germline. Affected: yes.
Comment: Not observed at significant frequency in large population cohorts (gnomAD); In silico analysis indicates that this missense variant does not alter protein structure/function; Has not been previously published as pathogenic or benign to our knowledge

Labcorp Genetics (formerly Invitae), Labcorp
Classification: Uncertain significance. Last evaluated: 2024-10-10. Review status: criteria provided, single submitter. Criteria: Invitae Variant Classification Sherloc (09022015). Collection method: clinical testing. Allele origin: germline.
Comment: This sequence change replaces glutamine, which is neutral and polar, with glutamic acid, which is acidic and polar, at codon 356 of the FBXO11 protein (p.Gln356Glu). This variant is not present in population databases (gnomAD no frequency). This variant has not been reported in the literature in individuals affected with FBXO11-related conditions. An algorithm developed to predict the effect of missense changes on protein structure and function (PolyPhen-2) suggests that this variant is likely to be tolerated. In summary, the available evidence is currently insufficient to determine the role of this variant in disease. Therefore, it has been classified as a Variant of Uncertain Significance.